The following is an entry in ClinVar:

NM_000370.3(TTPA):c.361C>T (p.His121Tyr)

Gene: TTPA (alpha tocopherol transfer protein; minus strand). Cytogenetic location: 8q12.3.
Variant type: single nucleotide variant.
Coding change: c.361C>T on transcript NM_000370.3 (MANE Select); coding-DNA position 361, C replaced by T.
Protein change: p.His121Tyr; replaces histidine 121 with tyrosine.
Molecular consequence: missense variant.
Genome position (GRCh38, 1-based): chr8:63,066,095, G>A on the plus strand (C>T on the coding strand, the complement: TTPA is on the minus strand). VCF-style: chr8-63066095-G-A. GRCh37 (hg19) VCF-style: chr8-63978654-G-A.
Other names: c.361C>T, p.His121Tyr (NM_001413416.1); c.478C>T, p.His160Tyr (NM_001413418.1); short protein forms H160Y, H121Y.
Identifiers: ClinVar variation 1970308 (VCV001970308.2), dbSNP rs1276905646, ClinGen allele CA371332976.

ClinVar aggregate classification (germline): Uncertain significance (1 of 4 stars; one submission).

Submission:

Labcorp Genetics (formerly Invitae), Labcorp
Classification: Uncertain significance. Last evaluated: 2022-07-12. Review status: criteria provided, single submitter. Criteria: Invitae Variant Classification Sherloc (09022015). Collection method: clinical testing. Allele origin: germline.
Comment: This sequence change replaces histidine, which is basic and polar, with tyrosine, which is neutral and polar, at codon 121 of the TTPA protein (p.His121Tyr). This variant is not present in population databases (gnomAD no frequency). This variant has not been reported in the literature in individuals affected with TTPA-related conditions. Algorithms developed to predict the effect of missense changes on protein structure and function output the following: SIFT: "Tolerated"; PolyPhen-2: "Benign"; Align-GVGD: "Class C0". The tyrosine amino acid residue is found in multiple mammalian species, which suggests that this missense change does not adversely affect protein function. In summary, the available evidence is currently insufficient to determine the role of this variant in disease. Therefore, it has been classified as a Variant of Uncertain Significance.